The following is an entry in ClinVar:

NM_153704.6(TMEM67):c.1972G>A (p.Val658Ile)

Gene: TMEM67 (transmembrane protein 67; plus strand). Cytogenetic location: 8q22.1.
Variant type: single nucleotide variant.
Coding change: c.1972G>A on transcript NM_153704.6 (MANE Select); coding-DNA position 1972, G replaced by A.
Protein change: p.Val658Ile; replaces valine 658 with isoleucine.
Molecular consequence: missense variant. On other transcripts: non-coding transcript variant (1).
Genome position (GRCh38, 1-based): chr8:93,797,342, G>A. VCF-style: chr8-93797342-G-A. GRCh37 (hg19) VCF-style: chr8-94809570-G-A.
Other names: c.1729G>A, p.Val577Ile (NM_001142301.1); short protein forms V658I, V577I.
Identifiers: ClinVar variation 4979972 (VCV004979972.1).

ClinVar aggregate classification (germline): Uncertain significance (1 of 4 stars; one submission).

Conditions:
TMEM67-related disorder. Also called: TMEM67-related condition; TMEM67-related disorders. Identifiers: MedGen CN239423.

gnomAD v4.1: 6 of 1,614,134 alleles (0.00037%); highest among the groups gnomAD compares: East Asian, 0.0067%; no homozygotes.

Submission:

PreventionGenetics, part of Exact Sciences
Classification: Uncertain significance for TMEM67-related condition. Last evaluated: 2025-03-13. Review status: criteria provided, single submitter. Criteria: ACMG Guidelines, 2015. Collection method: clinical testing. Allele origin: germline.
Comment: The TMEM67 c.1972G>A variant is predicted to result in the amino acid substitution p.Val658Ile. To our knowledge, this variant has not been reported in the literature or in a large population database (gnomAD), indicating this variant is rare. At this time, the clinical significance of this variant is uncertain due to the absence of conclusive functional and genetic evidence.